The following is an entry in ClinVar:

ClinVar aggregate classification (germline): Uncertain significance (1 of 4 stars; one submission).

Allele frequency attached by ClinVar (database versions not stated): gnomAD exomes below 0.00001; TOPMed below 0.00001; gnomAD 0.00001.
gnomAD v4.1: 3 of 1,613,154 alleles (0.00019%); highest among the groups gnomAD compares: Non-Finnish European, 0.00025%; no homozygotes.

Submission:

Women's Health and Genetics/Laboratory Corporation of America, LabCorp
Classification: Uncertain significance. Last evaluated: 2023-06-26. Review status: criteria provided, single submitter. Criteria: LabCorp Variant Classification Summary - May 2015. Collection method: clinical testing. Allele origin: germline.
Comment: Variant summary: TTN c.66334A>T (p.Ile22112Phe) results in a non-conservative amino acid change located in the A-band region of the encoded protein sequence. Three of four in-silico tools predict a damaging effect of the variant on protein function. The variant was absent in 247772 control chromosomes (gnomAD). The available data on variant occurrences in the general population are insufficient to allow any conclusion about variant significance. To our knowledge, no occurrence of c.66334A>T in individuals affected with Dilated Cardiomyopathy and no experimental evidence demonstrating its impact on protein function have been reported. No submitters have cited clinical-significance assessments for this variant to ClinVar after 2014. Based on the evidence outlined above, the variant was classified as uncertain significance.

NM_001267550.2(TTN):c.74038A>T (p.Ile24680Phe)

Genes: TTN (titin; minus strand), TTN-AS1 (TTN antisense RNA 1; plus strand). Cytogenetic location: 2q31.2.
Variant type: single nucleotide variant.
Coding change: c.74038A>T on transcript NM_001267550.2 (MANE Select); coding-DNA position 74038, A replaced by T.
Protein change: p.Ile24680Phe; replaces isoleucine 24680 with phenylalanine.
Molecular consequence: missense variant.
Genome position (GRCh38, 1-based): chr2:178,572,094, T>A on the plus strand (A>T on the coding strand, the complement: TTN is on the minus strand). VCF-style: chr2-178572094-T-A. GRCh37 (hg19) VCF-style: chr2-179436821-T-A.
Other names: c.69115A>T, p.Ile23039Phe (NM_001256850.1); c.46843A>T, p.Ile15615Phe (NM_003319.4); c.66334A>T, p.Ile22112Phe (NM_133378.4); c.47218A>T, p.Ile15740Phe (NM_133432.3); c.47419A>T, p.Ile15807Phe (NM_133437.4); short protein forms I15615F, I15740F, I15807F, I22112F, I23039F, I24680F.
Identifiers: ClinVar variation 2573636 (VCV002573636.1), dbSNP rs1381899333, ClinGen allele CA349636047.